The following is an entry in ClinVar:

ClinVar aggregate classification (germline): Pathogenic/Likely pathogenic. Review status: criteria provided, multiple submitters, no conflicts (2 of 4 stars). 11 submissions from 11 submitters: Pathogenic (5); Likely pathogenic (1). 5 of the submissions do not count toward it. Last evaluated 2025-12-01.

Conditions:
Proximal myopathy with extrapyramidal signs. Also called: Myopathy with extrapyramidal signs. Identifiers: Orphanet 401768, MedGen C3810285, MONDO:0014300, OMIM 615673.

Allele frequency attached by ClinVar (database versions not stated): gnomAD 0.00002; gnomAD exomes 0.00002 and 0.00005; TOPMed 0.00003; ESP Exome Variant Server 0.00010.
gnomAD v4.1: 29 of 1,540,332 alleles (0.0019%); highest among the groups gnomAD compares: Non-Finnish European, 0.0025%; no homozygotes.

Submissions (11):

Labcorp Genetics (formerly Invitae), Labcorp
Classification: Pathogenic. Last evaluated: 2025-12-01. Review status: criteria provided, single submitter. Criteria: Invitae Variant Classification Sherloc (09022015). Collection method: clinical testing. Allele origin: germline.
Comment: This sequence change affects a donor splice site in intron 8 of the MICU1 gene. RNA analysis indicates that disruption of this splice site induces altered splicing and may result in an absent or altered protein product. This variant is present in population databases (rs369915689, gnomAD 0.01%). Disruption of this splice site has been observed in individuals with clinical features of myopathy with extrapyramidal signs (PMID: 24336167). It has also been observed to segregate with disease in related individuals. ClinVar contains an entry for this variant (Variation ID: 101046). Studies have shown that disruption of this splice site results in retention of 155 bp of intron 8, and produces a non-functional protein and/or introduces a premature termination codon (PMID: 24336167). For these reasons, this variant has been classified as Pathogenic.

Institute of Human Genetics Munich, TUM University Hospital
Classification: Pathogenic for Proximal myopathy with extrapyramidal signs. Last evaluated: 2024-03-04. Review status: criteria provided, single submitter. Criteria: Classification criteria August 2017. Collection method: clinical testing. Allele origin: germline. Inheritance: Autosomal recessive inheritance. Affected: yes. Observed: 1 variant allele.

GeneDx
Classification: Pathogenic. Last evaluated: 2023-05-24. Review status: criteria provided, single submitter. Criteria: GeneDx Variant Classification Process June 2021. Collection method: clinical testing. Allele origin: germline. Affected: yes.
Comment: Canonical splice site variant predicted to result in a null allele in a gene for which loss of function is a known mechanism of disease; Not observed at significant frequency in large population cohorts (gnomAD); This variant is associated with the following publications: (PMID: 24336167, 33386810)

MGZ Medical Genetics Center
Classification: Pathogenic for Proximal myopathy with extrapyramidal signs. Last evaluated: 2022-06-08. Review status: criteria provided, single submitter. Criteria: ACMG Guidelines, 2015. Collection method: clinical testing. Allele origin: germline. Affected: yes. Observed: 1 variant allele.
Comment: ACMG criteria applied: PVS1, PS4_MOD, PM2_SUP, PM3_SUP

Institute of Human Genetics, Clinical Exome/Genome Diagnostics Group, University Hospital Bonn
Classification: Pathogenic for Proximal myopathy with extrapyramidal signs. Last evaluated: 2022-05-23. Review status: criteria provided, single submitter. Criteria: ACMG Guidelines, 2015. Collection method: clinical testing. Allele origin: germline. Affected: yes.

Laboratory for Molecular Medicine, Mass General Brigham Personalized Medicine
Classification: Likely pathogenic for Proximal myopathy with extrapyramidal signs. Last evaluated: 2020-06-16. Review status: criteria provided, single submitter. Criteria: LMM Criteria. Collection method: clinical testing. Allele origin: germline. Inheritance: Autosomal recessive inheritance. Observed: 1 variant allele.
Comment: The c.741+1G>A variant in MICU1 has been reported in the homozygous state in 2 sibling pairs with proximal myopathy with extrapyramidal signs from unrelated Dutch families (Logan 2014 PMID: 24336167). It has also been reported in ClinVar (Variation ID 101046) and has been identified in 0.01% (9/73090) of European chromosomes by gnomAD. This variant occurs within the canonical splice site (+/- 1,2) and in vitro functional studies using patient mRNA have shown that this variant affects splicing and leads to markedly decreased MICU1 mRNA and loss of protein levels (Logan 2014 PMID: 24336167). Loss of function variants, including splice variants, have been reported in individuals with proximal myopathy with extrapyramidal signs. In summary, although additional studies are required to fully establish its clinical significance, this variant meets criteria to be classified as likely pathogenic for autosomal recessive proximal myopathy with extrapyramidal signs. ACMG/AMP Criteria applied: PVS1, PM3_Supporting, PP1.

OMIM
Classification: Pathogenic for MYOPATHY WITH EXTRAPYRAMIDAL SIGNS. Last evaluated: 2014-02-01. Review status: no assertion criteria provided. Collection method: literature only. Allele origin: germline. Not counted in ClinVar's aggregate classification.

Clinical Genetics DNA and cytogenetics Diagnostics Lab, Erasmus MC, Erasmus Medical Center
Classification: Pathogenic. Review status: no assertion criteria provided. Collection method: clinical testing. Allele origin: germline. Affected: yes. Study: VKGL Data-share Consensus. Not counted in ClinVar's aggregate classification.

Genome Diagnostics Laboratory, Amsterdam University Medical Center
Classification: Pathogenic. Review status: no assertion criteria provided. Collection method: clinical testing. Allele origin: germline. Affected: yes. Study: VKGL Data-share Consensus. Not counted in ClinVar's aggregate classification.

Genome Diagnostics Laboratory, University Medical Center Utrecht
Classification: Pathogenic. Review status: no assertion criteria provided. Collection method: clinical testing. Allele origin: germline. Affected: yes. Study: VKGL Data-share Consensus. Not counted in ClinVar's aggregate classification.

Laboratory of Diagnostic Genome Analysis, Leiden University Medical Center (LUMC)
Classification: Likely pathogenic. Review status: no assertion criteria provided. Collection method: clinical testing. Allele origin: germline. Affected: yes. Study: VKGL Data-share Consensus. Not counted in ClinVar's aggregate classification.

Literature cited by the submitters: PubMed 24336167 (cited by 3 submitters).

NM_001195518.2(MICU1):c.735+1G>A

Gene: MICU1 (mitochondrial calcium uptake 1; minus strand). Cytogenetic location: 10q22.1.
Variant type: single nucleotide variant.
Coding change: c.735+1G>A on transcript NM_001195518.2 (MANE Select); the canonical splice donor site of the intron after coding-DNA position 735, G replaced by A.
Molecular consequence: splice donor variant.
Genome position (GRCh38, 1-based): chr10:72,477,173, C>T on the plus strand (G>A on the coding strand, the complement: MICU1 is on the minus strand). VCF-style: chr10-72477173-C-T. GRCh37 (hg19) VCF-style: chr10-74236931-C-T.
Other names: IVS7DS, G-A, +1; c.741+1G>A (NM_006077.4); c.753+1G>A (NM_001363513.2); c.141+1G>A (NM_001195519.2).
Identifiers: ClinVar variation 101046 (VCV000101046.24), dbSNP rs369915689, ClinGen allele CA10575625.